The following is an entry in ClinVar:

ClinVar aggregate classification (germline): Benign (1 of 4 stars; one submission).

Allele frequency attached by ClinVar (database versions not stated): 1000 Genomes Project 30x 0.06543; TOPMed 0.07971; gnomAD 0.08517.
gnomAD v4.1: 12,304 of 151,566 alleles (8.1%); highest among the groups gnomAD compares: African/African-American, 16%; 628 homozygotes.

Submission:

GeneDx
Classification: Benign. Last evaluated: 2018-06-16. Review status: criteria provided, single submitter. Criteria: GeneDx Variant Classification (06012015). Collection method: clinical testing. Allele origin: germline. Affected: yes.
Comment: This variant is considered likely benign or benign based on one or more of the following criteria: it is a conservative change, it occurs at a poorly conserved position in the protein, it is predicted to be benign by multiple in silico algorithms, and/or has population frequency not consistent with disease.

NM_001151.4(SLC25A4):c.111+119C>G

Gene: SLC25A4 (solute carrier family 25 member 4; plus strand). Cytogenetic location: 4q35.1.
Variant type: single nucleotide variant.
Coding change: c.111+119C>G on transcript NM_001151.4 (MANE Select); 119 bases into the intron after coding-DNA position 111, C replaced by G.
Molecular consequence: intron variant.
Genome position (GRCh38, 1-based): chr4:185,143,602, C>G. VCF-style: chr4-185143602-C-G. GRCh37 (hg19) VCF-style: chr4-186064756-C-G.
Identifiers: ClinVar variation 676345 (VCV000676345.1), dbSNP rs879317025, ClinGen allele CA112004603.